The following is an entry in ClinVar:

NM_003079.5(SMARCE1):c.1106G>A (p.Ser369Asn)

Gene: SMARCE1 (SWI/SNF related BAF chromatin remodeling complex subunit E1; minus strand). Cytogenetic location: 17q21.2.
Variant type: single nucleotide variant.
Coding change: c.1106G>A on transcript NM_003079.5 (MANE Select); coding-DNA position 1106, G replaced by A.
Protein change: p.Ser369Asn; replaces serine 369 with asparagine.
Molecular consequence: missense variant.
Genome position (GRCh38, 1-based): chr17:40,628,915, C>T on the plus strand (G>A on the coding strand, the complement: SMARCE1 is on the minus strand). VCF-style: chr17-40628915-C-T. GRCh37 (hg19) VCF-style: chr17-38785167-C-T.
Other names: short protein forms S369N.
Identifiers: ClinVar variation 2564308 (VCV002564308.2), dbSNP rs2508592706, ClinGen allele CA399361395.

ClinVar aggregate classification (germline): Uncertain significance (1 of 4 stars; one submission).

Conditions:
Hereditary cancer-predisposing syndrome. Also called: Neoplastic Syndromes, Hereditary; Hereditary Cancer Syndrome; Hereditary neoplastic syndrome; Tumor predisposition. Identifiers: Orphanet 140162, MedGen C0027672, MeSH D009386, MONDO:0015356.

gnomAD v4.1: 3 of 1,613,866 alleles (0.00019%); highest among the groups gnomAD compares: South Asian, 0.0011%; no homozygotes.

Submission:

Ambry Genetics
Classification: Uncertain significance for Hereditary cancer-predisposing syndrome. Last evaluated: 2023-06-02. Review status: criteria provided, single submitter. Criteria: Ambry Variant Classification Scheme 2023. Collection method: clinical testing. Allele origin: germline.
Comment: The p.S369N variant (also known as c.1106G>A), located in coding exon 10 of the SMARCE1 gene, results from a G to A substitution at nucleotide position 1106. The serine at codon 369 is replaced by asparagine, an amino acid with highly similar properties. This amino acid position is highly conserved in available vertebrate species. In addition, this alteration is predicted to be tolerated by in silico analysis. Missense and in-frame variants in SMARCE1 are known to cause neurodevelopmental disorders; however, such associations with increased risk of meningiomas are exceedingly rare (Kosho T et al. Am J Med Genet C Semin Med Genet. 2014 Sep;166C(3):262-75; Smith JM et al. Nat Genet. 2013 Mar;45(3):295-8). Based on the supporting evidence, the association of this alteration with Coffin-Siris syndrome is unknown; however, the association of this alteration with an increased risk of meningiomas is unlikely.